The following is an entry in ClinVar:

ClinVar aggregate classification (germline): Pathogenic/Likely pathogenic. Review status: criteria provided, multiple submitters, no conflicts (2 of 4 stars). 4 submissions from 4 submitters: Pathogenic (2); Likely pathogenic (2). Last evaluated 2025-04-19.

Conditions:
CC2D2A-related disorder. Also called: CC2D2A-related disorders; CC2D2A-related condition. Identifiers: MedGen CN239313.
Joubert syndrome. Also called: Familial aplasia of the vermis; JOUBERT-BOLTSHAUSER SYNDROME. Identifiers: Orphanet 475, MedGen C5979921, MONDO:0018772.
Meckel-Gruber syndrome. Also called: Dysencephalia splachnocystica; DYSENCEPHALIA SPLANCHNOCYSTICA; GRUBER SYNDROME. Identifiers: Orphanet 564, MedGen C0265215, MONDO:0018921.
Retinitis pigmentosa 93. Identifiers: MedGen C5676970, MONDO:0030797, OMIM 619845.

Allele frequency attached by ClinVar (database versions not stated): gnomAD exomes below 0.00001; TOPMed below 0.00001.
gnomAD v4.1: 1 of 1,575,222 alleles (0.000063%); highest among the groups gnomAD compares: Non-Finnish European, 0.000087%; no homozygotes.

Submissions (4):

3billion
Classification: Pathogenic for Retinitis pigmentosa 93. Last evaluated: 2025-04-19. Review status: criteria provided, single submitter. Criteria: ACMG Guidelines, 2015. Collection method: clinical testing. Allele origin: germline. Affected: yes.

Labcorp Genetics (formerly Invitae), Labcorp
Classification: Likely pathogenic for Joubert syndrome; Meckel-Gruber syndrome. Last evaluated: 2024-11-05. Review status: criteria provided, single submitter. Criteria: Invitae Variant Classification Sherloc (09022015). Collection method: clinical testing. Allele origin: germline.
Comment: This sequence change affects a donor splice site in intron 33 of the CC2D2A gene. It is expected to disrupt RNA splicing. Variants that disrupt the donor or acceptor splice site typically lead to a loss of protein function (PMID: 16199547), and loss-of-function variants in CC2D2A are known to be pathogenic (PMID: 19777577). This variant is not present in population databases (gnomAD no frequency). This variant has not been reported in the literature in individuals affected with CC2D2A-related conditions. ClinVar contains an entry for this variant (Variation ID: 289869). Algorithms developed to predict the effect of sequence changes on RNA splicing suggest that this variant may disrupt the consensus splice site. In summary, the currently available evidence indicates that the variant is pathogenic, but additional data are needed to prove that conclusively. Therefore, this variant has been classified as Likely Pathogenic.

Blueprint Genetics
Classification: Likely pathogenic for CC2D2A-related disorders. Last evaluated: 2021-07-14. Review status: criteria provided, single submitter. Criteria: ACMG Guidelines, 2015. Collection method: clinical testing. Allele origin: germline. Affected: yes. Observed: 2 variant alleles.

Eurofins Ntd Llc (ga)
Classification: Pathogenic. Last evaluated: 2016-08-03. Review status: criteria provided, single submitter. Criteria: EGL Classification Definitions 2015. Collection method: clinical testing. Allele origin: germline. Observed: 1 variant allele, 1 heterozygote.

Literature cited by the submitters: PubMed 16199547 (cited by Labcorp Genetics (formerly Invitae), Labcorp); PubMed 19777577 (cited by Labcorp Genetics (formerly Invitae), Labcorp).

NM_001378615.1(CC2D2A):c.4179+1G>A

Genes: CC2D2A (coiled-coil and C2 domain containing 2A; plus strand), FBXL5 (F-box and leucine rich repeat protein 5; minus strand). Cytogenetic location: 4p15.32.
Variant type: single nucleotide variant.
Coding change: c.4179+1G>A on transcript NM_001378615.1 (MANE Select); the canonical splice donor site of the intron after coding-DNA position 4179, G replaced by A.
Molecular consequence: splice donor variant.
Genome position (GRCh38, 1-based): chr4:15,587,930, G>A. VCF-style: chr4-15587930-G-A. GRCh37 (hg19) VCF-style: chr4-15589553-G-A.
Other names: c.4179+1G>A (NM_001080522.2); c.4032+1G>A (NM_001378617.1).
Identifiers: ClinVar variation 289869 (VCV000289869.10), dbSNP rs886044295, ClinGen allele CA10606582.
Genomic context (GRCh38, chr4:15,587,930, plus strand): 5'-AATTACTTTCTGTCTCTGGGTAAGAAGGCCTGGCTGTTGATGGGCAATGCTATTCCTGAG[G>A]TAAGACCACATAGGCTGCCTTTAACAGAGGAGTATAGTTGTCTAATCGAGTTGTGTGTTC-3'